The following is an entry in ClinVar:

ClinVar aggregate classification (germline): Uncertain significance. Review status: criteria provided, multiple submitters, no conflicts (2 of 4 stars). 3 submissions from 3 submitters: Uncertain significance (3). Last evaluated 2025-06-10.

Conditions:
Cardiovascular phenotype. Identifiers: MedGen CN230736.
X-linked myopathy with postural muscle atrophy. Also called: FHL1-Related Emery-Dreifuss Muscular Dystrophy, X-Linked. Identifiers: Orphanet 178461, MedGen C2678055, MONDO:0010401, OMIM 300696.

Allele frequency attached by ClinVar (database versions not stated): TOPMed below 0.00001; ExAC 0.00001; gnomAD 0.00002; gnomAD exomes 0.00002 and 0.00004.
gnomAD v4.1: 42 of 1,209,313 alleles (0.0035%); highest among the groups gnomAD compares: Non-Finnish European, 0.0045%; no homozygotes.

Submissions (3):

Ambry Genetics
Classification: Uncertain significance for Cardiovascular phenotype. Last evaluated: 2025-06-10. Review status: criteria provided, single submitter. Criteria: Ambry Variant Classification Scheme 2023. Collection method: clinical testing. Allele origin: germline.
Comment: The p.Y56C variant (also known as c.167A>G), located in coding exon 2 of the FHL1 gene, results from an A to G substitution at nucleotide position 167. The tyrosine at codon 56 is replaced by cysteine, an amino acid with highly dissimilar properties. This amino acid position is conserved. In addition, this alteration is predicted to be deleterious by in silico analysis. Based on the available evidence, the clinical significance of this variant remains unclear.

Revvity Omics, Revvity
Classification: Uncertain significance. Last evaluated: 2025-05-05. Review status: criteria provided, single submitter. Criteria: ACMG Guidelines, 2015. Collection method: clinical testing. Allele origin: germline.

Labcorp Genetics (formerly Invitae), Labcorp
Classification: Uncertain significance for X-linked myopathy with postural muscle atrophy. Last evaluated: 2022-09-01. Review status: criteria provided, single submitter. Criteria: Invitae Variant Classification Sherloc (09022015). Collection method: clinical testing. Allele origin: germline.
Comment: This sequence change replaces tyrosine, which is neutral and polar, with cysteine, which is neutral and slightly polar, at codon 56 of the FHL1 protein (p.Tyr56Cys). This variant is present in population databases (rs758269641, gnomAD 0.004%). This variant has not been reported in the literature in individuals affected with FHL1-related conditions. ClinVar contains an entry for this variant (Variation ID: 650616). Algorithms developed to predict the effect of missense changes on protein structure and function are either unavailable or do not agree on the potential impact of this missense change (SIFT: "Deleterious"; PolyPhen-2: "Benign"; Align-GVGD: "Class C25"). Algorithms developed to predict the effect of sequence changes on RNA splicing suggest that this variant may create or strengthen a splice site. In summary, the available evidence is currently insufficient to determine the role of this variant in disease. Therefore, it has been classified as a Variant of Uncertain Significance.

NM_001159699.2(FHL1):c.215A>G (p.Tyr72Cys)

Gene: FHL1 (four and a half LIM domains 1; plus strand). Cytogenetic location: Xq26.3.
Variant type: single nucleotide variant.
Coding change: c.215A>G on transcript NM_001159699.2 (MANE Select); coding-DNA position 215, A replaced by G.
Protein change: p.Tyr72Cys; replaces tyrosine 72 with cysteine.
Molecular consequence: missense variant. On other transcripts: non-coding transcript variant (1).
Genome position (GRCh38, 1-based): chrX:136,207,026, A>G. VCF-style: chrX-136207026-A-G. GRCh37 (hg19) VCF-style: chrX-135289185-A-G.
Other names: c.167A>G, p.Tyr56Cys (NM_001159700.2, NM_001159702.3, NM_001159703.2 and 9 more transcripts); c.254A>G, p.Tyr85Cys (NM_001159701.2); c.215A>G, p.Tyr72Cys (NM_001330659.2); short protein forms Y72C, Y85C, Y56C.
Identifiers: ClinVar variation 650616 (VCV000650616.6), dbSNP rs758269641, ClinGen allele CA10524967.